The following is an entry in ClinVar:

NM_000285.4(PEPD):c.769G>A (p.Gly257Arg)

Gene: PEPD (peptidase D; minus strand). Cytogenetic location: 19q13.11.
Variant type: single nucleotide variant.
Coding change: c.769G>A on transcript NM_000285.4 (MANE Select); coding-DNA position 769, G replaced by A.
Protein change: p.Gly257Arg; replaces glycine 257 with arginine.
Molecular consequence: missense variant.
Genome position (GRCh38, 1-based): chr19:33,411,721, C>T on the plus strand (G>A on the coding strand, the complement: PEPD is on the minus strand). VCF-style: chr19-33411721-C-T. GRCh37 (hg19) VCF-style: chr19-33902627-C-T.
Other names: c.646G>A, p.Gly216Arg (NM_001166056.2); c.577G>A, p.Gly193Arg (NM_001166057.2); c.769G>A (NM_000285.3); short protein forms G193R, G216R, G257R.
Identifiers: ClinVar variation 1394444 (VCV001394444.4), dbSNP rs755947485, ClinGen allele CA9364142.

ClinVar aggregate classification (germline): Uncertain significance. Review status: criteria provided, multiple submitters, no conflicts (2 of 4 stars). 2 submissions from 2 submitters: Uncertain significance (2). Last evaluated 2025-02-27.

Conditions:
Inborn genetic diseases. Identifiers: MedGen C0950123, MeSH D030342.

Allele frequency attached by ClinVar (database versions not stated): ExAC 0.00004.

Submissions (2):

Ambry Genetics
Classification: Uncertain significance for Inborn genetic diseases. Last evaluated: 2025-02-27. Review status: criteria provided, single submitter. Criteria: Ambry Variant Classification Scheme 2023. Collection method: clinical testing. Allele origin: germline.

Labcorp Genetics (formerly Invitae), Labcorp
Classification: Uncertain significance. Last evaluated: 2022-05-22. Review status: criteria provided, single submitter. Criteria: Invitae Variant Classification Sherloc (09022015). Collection method: clinical testing. Allele origin: germline.
Comment: This sequence change replaces glycine, which is neutral and non-polar, with arginine, which is basic and polar, at codon 257 of the PEPD protein (p.Gly257Arg). This variant is present in population databases (rs755947485, gnomAD 0.01%). This variant has not been reported in the literature in individuals affected with PEPD-related conditions. Algorithms developed to predict the effect of missense changes on protein structure and function are either unavailable or do not agree on the potential impact of this missense change (SIFT: "Deleterious"; PolyPhen-2: "Probably Damaging"; Align-GVGD: "Class C15"). Algorithms developed to predict the effect of sequence changes on RNA splicing suggest that this variant may create or strengthen a splice site. In summary, the available evidence is currently insufficient to determine the role of this variant in disease. Therefore, it has been classified as a Variant of Uncertain Significance.